The following is an entry in ClinVar:

NM_001018115.3(FANCD2):c.1948-16T>G

Genes: FANCD2 (FA complementation group D2; plus strand), LOC107303338 (3p25 FANCD2 Alu-mediated recombination region; plus strand). Cytogenetic location: 3p25.3.
Variant type: single nucleotide variant.
Coding change: c.1948-16T>G on transcript NM_001018115.3 (MANE Select); 16 bases into the intron before coding-DNA position 1948, T replaced by G.
Molecular consequence: intron variant.
Genome position (GRCh38, 1-based): chr3:10,064,340, T>G. VCF-style: chr3-10064340-T-G. GRCh37 (hg19) VCF-style: chr3-10106024-T-G.
Other names: c.1948-16T>G (NM_001319984.2, NM_033084.6, NM_001374254.1); c.1837-16T>G (NM_001374253.1).
Identifiers: ClinVar variation 929659 (VCV000929659.3), dbSNP rs2087653225, ClinGen allele CA1139657884.
Genomic context (GRCh38, chr3:10,064,340, plus strand): 5'-GGTTAAGAGTAATTTATCTAGGGCTGTACAGCAAGTACACTCTGCACTGCCCTTTTTGTT[T>G]GTTTGCTTCCTGAAGGAATGGGTTGGGCATACCATCTGTAATGATTTCCAGGATGCCTTC-3'

ClinVar aggregate classification (germline): Pathogenic. Review status: criteria provided, multiple submitters, no conflicts (2 of 4 stars). 3 submissions from 3 submitters: Pathogenic (2). 1 of the submissions does not count toward it. Last evaluated 2024-09-25.

Conditions:
Fanconi anemia complementation group D2. Also called: FANCD2-Related Fanconi Anemia; FANCONI PANCYTOPENIA, TYPE 4; FANCONI ANEMIA, COMPLEMENTATION GROUP D. Identifiers: Orphanet 84, MedGen C3160738, MONDO:0009214, OMIM 227646.

Submissions (3):

Institute of Medical Genetics and Applied Genomics, University Hospital Tübingen
Classification: Pathogenic for Fanconi anemia complementation group D2. Last evaluated: 2024-09-25. Review status: criteria provided, single submitter. Criteria: ACMG Guidelines, 2015. Collection method: clinical testing. Allele origin: germline. Inheritance: Autosomal recessive inheritance. Affected: yes.

Acibadem Labgen Genetic Diagnostic Center
Classification: Pathogenic for Fanconi anemia complementation group D2. Review status: criteria provided, single submitter. Criteria: ACGS 2020. Collection method: clinical testing. Allele origin: biparental. Inheritance: Autosomal recessive inheritance. Affected: yes. Observed: 1 homozygote.
Comment: Three unrelated patients from consanguineous families shared the same intronic FANCD2 splice-site variant, c.1948-16T>G, located within a region of high homology to the flanking FANCD2 pseudogenes. The initial WES performed reported it with low allelic balance. Gene-specific Sanger sequencing demonstrated a homozygous c.1948-16T>G change in all three patients. PM2_supporting; PM3_VeryStrong; PP4_Moderate; PP3.

Leiden Open Variation Database
Classification: Pathogenic for Fanconi anemia complementation group D2. Last evaluated: 2020-02-28. Review status: no assertion criteria provided. Collection method: curation. Allele origin: germline. Affected: yes. Not counted in ClinVar's aggregate classification.
Comment: Curator: Arleen D. Auerbach. Submitter to LOVD: Arleen D. Auerbach.

Literature cited by the submitters: PubMed 17436244 (cited by Acibadem Labgen Genetic Diagnostic Center and Leiden Open Variation Database).